The following is an entry in ClinVar:

ClinVar aggregate classification (germline): Uncertain significance (1 of 4 stars; one submission).

Conditions:
Hypertrophic cardiomyopathy 1 (CMH1). Also called: MYH7-Related Familial Hypertrophic Cardiomyopathy; Familial hypertrophic cardiomyopathy 1. Identifiers: MedGen C3495498, MONDO:0008647, OMIM 192600.

Allele frequency attached by ClinVar (database versions not stated): gnomAD exomes below 0.00001 and 0.00001; gnomAD 0.00001.
gnomAD v4.1: 5 of 1,613,720 alleles (0.00031%); highest among the groups gnomAD compares: Admixed American, 0.0017%; no homozygotes.

Submission:

Labcorp Genetics (formerly Invitae), Labcorp
Classification: Uncertain significance for Hypertrophic cardiomyopathy 1. Last evaluated: 2022-03-08. Review status: criteria provided, single submitter. Criteria: Invitae Variant Classification Sherloc (09022015). Collection method: clinical testing. Allele origin: germline.
Comment: ClinVar contains an entry for this variant (Variation ID: 848700). This variant has not been reported in the literature in individuals affected with MYLK2-related conditions. This variant is present in population databases (no rsID available, gnomAD 0.003%). This sequence change replaces arginine, which is basic and polar, with histidine, which is basic and polar, at codon 581 of the MYLK2 protein (p.Arg581His). Algorithms developed to predict the effect of missense changes on protein structure and function are either unavailable or do not agree on the potential impact of this missense change (SIFT: "Deleterious"; PolyPhen-2: "Probably Damaging"; Align-GVGD: "Class C0"). In summary, the available evidence is currently insufficient to determine the role of this variant in disease. Therefore, it has been classified as a Variant of Uncertain Significance.

NM_033118.4(MYLK2):c.1742G>A (p.Arg581His)

Gene: MYLK2 (myosin light chain kinase 2; plus strand). Cytogenetic location: 20q11.21.
Variant type: single nucleotide variant.
Coding change: c.1742G>A on transcript NM_033118.4 (MANE Select); coding-DNA position 1742, G replaced by A.
Protein change: p.Arg581His; replaces arginine 581 with histidine.
Molecular consequence: missense variant.
Genome position (GRCh38, 1-based): chr20:31,833,748, G>A. VCF-style: chr20-31833748-G-A. GRCh37 (hg19) VCF-style: chr20-30421551-G-A.
Other names: short protein forms R581H.
Identifiers: ClinVar variation 848700 (VCV000848700.11), dbSNP rs1240286486, ClinGen allele CA408528579.